The following is an entry in ClinVar:

ClinVar aggregate classification (germline): Uncertain significance (1 of 4 stars; one submission).

Conditions:
Hereditary cancer-predisposing syndrome. Also called: Neoplastic Syndromes, Hereditary; Tumor predisposition; Hereditary Cancer Syndrome; Hereditary neoplastic syndrome. Identifiers: Orphanet 140162, MedGen C0027672, MeSH D009386, MONDO:0015356.

Submission:

Ambry Genetics
Classification: Uncertain significance for Hereditary cancer-predisposing syndrome. Last evaluated: 2025-12-24. Review status: criteria provided, single submitter. Criteria: Ambry Variant Classification Scheme 2023. Collection method: clinical testing. Allele origin: germline.
Comment: The p.S724P variant (also known as c.2170T>C), located in coding exon 15 of the PDGFRA gene, results from a T to C substitution at nucleotide position 2170. The serine at codon 724 is replaced by proline, an amino acid with similar properties. This amino acid position is conserved. In addition, this alteration is predicted to be deleterious by in silico analysis. Based on the available evidence, the clinical significance of this variant remains unclear.

NM_006206.6(PDGFRA):c.2170T>C (p.Ser724Pro)

Gene: PDGFRA (platelet derived growth factor receptor alpha; plus strand). Cytogenetic location: 4q12.
Variant type: single nucleotide variant.
Coding change: c.2170T>C on transcript NM_006206.6 (MANE Select); coding-DNA position 2170, T replaced by C.
Protein change: p.Ser724Pro; replaces serine 724 with proline.
Molecular consequence: missense variant.
Genome position (GRCh38, 1-based): chr4:54,280,329, T>C. VCF-style: chr4-54280329-T-C. GRCh37 (hg19) VCF-style: chr4-55146496-T-C.
Other names: c.2170T>C, p.Ser724Pro (NM_001347827.2, NM_001347829.2); c.2245T>C, p.Ser749Pro (NM_001347828.2); c.2209T>C, p.Ser737Pro (NM_001347830.2); short protein forms S737P, S749P, S724P.
Identifiers: ClinVar variation 4843862 (VCV004843862.1).
Genomic context (GRCh38, chr4:54,280,329, plus strand): 5'-ACTTCAGAAGGGCACCCTGGGTAAGATTTCTCTTTCTGTTTTTACAGCTATGTTATTTTA[T>C]CTTTTGAAAACAATGGTGACTACATGGACATGAAGCAGGCTGATACTACACAGTATGTCC-3'
Protein context (NP_006197.1, residues 714-734): DESTRSYVIL[Ser724Pro]FENNGDYMDM